The following is an entry in ClinVar:

ClinVar aggregate classification (germline): Conflicting classifications of pathogenicity. Review status: criteria provided, conflicting classifications (1 of 4 stars). 2 submissions from 2 submitters: Likely pathogenic (1); Uncertain significance (1). Last evaluated 2024-10-02.

Conditions:
Cardiovascular phenotype. Identifiers: MedGen CN230736.
Hereditary cancer-predisposing syndrome. Also called: Hereditary Cancer Syndrome; Tumor predisposition; Neoplastic Syndromes, Hereditary; Hereditary neoplastic syndrome. Identifiers: Orphanet 140162, MedGen C0027672, MeSH D009386, MONDO:0015356.

Submissions (2):

Ambry Genetics
Classification: Uncertain significance for Cardiovascular phenotype; Hereditary cancer-predisposing syndrome. Last evaluated: 2024-10-02. Review status: criteria provided, single submitter. Criteria: Ambry Variant Classification Scheme 2023. Collection method: clinical testing. Allele origin: germline.
Comment: The p.C229G variant (also known as c.685T>G), located in coding exon 8 of the LZTR1 gene, results from a T to G substitution at nucleotide position 685. The cysteine at codon 229 is replaced by glycine, an amino acid with highly dissimilar properties. This amino acid position is highly conserved in available vertebrate species. In addition, the in silico prediction for this alteration is inconclusive. Based on the available evidence, the clinical significance of this variant remains unclear.

GeneDx
Classification: Likely pathogenic. Last evaluated: 2016-08-15. Review status: criteria provided, single submitter. Criteria: GeneDx Variant Classification (06012015). Collection method: clinical testing. Allele origin: germline. Affected: yes.
Comment: The C229G variant in the LZTR1 gene has not been reported previously as a pathogenic variant, nor as a benign variant, to our knowledge. The C229G variant was not observed in approximately 6500 individuals of European and African American ancestry in the NHLBI Exome Sequencing Project, indicating it is not a common benign variant in these populations. The C229G variant is a non-conservative amino acid substitution, which is likely to impact secondary protein structure as these residues differ in polarity, charge, size and/or other properties. This substitution occurs at a position that is conserved across species and is located within the kelch 3 repeat domain. In silico analysis predicts this variant is probably damaging to the protein structure/function. The C229G variant is a strong candidate for a pathogenic variant,

NM_006767.4(LZTR1):c.685T>G (p.Cys229Gly)

Gene: LZTR1 (leucine zipper like post translational regulator 1; plus strand). Cytogenetic location: 22q11.21.
Variant type: single nucleotide variant.
Coding change: c.685T>G on transcript NM_006767.4 (MANE Select); coding-DNA position 685, T replaced by G.
Protein change: p.Cys229Gly; replaces cysteine 229 with glycine.
Molecular consequence: missense variant.
Genome position (GRCh38, 1-based): chr22:20,990,419, T>G. VCF-style: chr22-20990419-T-G. GRCh37 (hg19) VCF-style: chr22-21344708-T-G.
Other names: short protein forms C229G.
Identifiers: ClinVar variation 280780 (VCV000280780.3), dbSNP rs886041925, ClinGen allele CA10603560.